The following is an entry in ClinVar:

ClinVar aggregate classification (germline): Likely benign (1 of 4 stars; one submission).

gnomAD v4.1: 57 of 1,612,998 alleles (0.0035%); highest among the groups gnomAD compares: South Asian, 0.0066%; no homozygotes.

Submission:

CeGaT Center for Human Genetics Tuebingen
Classification: Likely benign. Last evaluated: 2025-01-01. Review status: criteria provided, single submitter. Criteria: CeGaT Center For Human Genetics Tuebingen Variant Classification Criteria Version 2. Collection method: clinical testing. Allele origin: germline. Affected: yes. Observed: 1 variant allele.
Comment: TNR: BP4, BP7

NM_003285.3(TNR):c.3525C>T (p.Gly1175=)

Gene: TNR (tenascin R; minus strand). Cytogenetic location: 1q25.1.
Variant type: single nucleotide variant.
Coding change: c.3525C>T on transcript NM_003285.3 (MANE Select); coding-DNA position 3525, C replaced by T.
Protein change: p.Gly1175=; no amino-acid change (glycine 1175 retained).
Molecular consequence: synonymous variant.
Genome position (GRCh38, 1-based): chr1:175,337,537, G>A on the plus strand (C>T on the coding strand, the complement: TNR is on the minus strand). VCF-style: chr1-175337537-G-A. GRCh37 (hg19) VCF-style: chr1-175306673-G-A.
Other names: c.2526C>T, p.Gly842= (NM_001328635.2).
Identifiers: ClinVar variation 3770826 (VCV003770826.13).